The following is an entry in ClinVar:

ClinVar aggregate classification (germline): Uncertain significance (1 of 4 stars; one submission).

Conditions:
Developmental and epileptic encephalopathy, 12 (DEE12). Identifiers: MedGen C3150988, MONDO:0013389, OMIM 613722.

Allele frequency attached by ClinVar (database versions not stated): gnomAD 0.00001; TOPMed 0.00001; ESP Exome Variant Server 0.00008.
gnomAD v4.1: 4 of 1,609,264 alleles (0.00025%); highest among the groups gnomAD compares: Non-Finnish European, 0.00034%; no homozygotes.

Submission:

Labcorp Genetics (formerly Invitae), Labcorp
Classification: Uncertain significance for Developmental and epileptic encephalopathy, 12. Last evaluated: 2021-08-31. Review status: criteria provided, single submitter. Criteria: Invitae Variant Classification Sherloc (09022015). Collection method: clinical testing. Allele origin: germline.
Comment: This sequence change replaces arginine with histidine at codon 311 of the PNKP protein (p.Arg311His). The arginine residue is highly conserved and there is a small physicochemical difference between arginine and histidine. The frequency data for this variant in the population databases is considered unreliable, as metrics indicate poor data quality at this position in the ExAC database. This variant has not been reported in the literature in individuals affected with PNKP-related conditions. Algorithms developed to predict the effect of missense changes on protein structure and function (SIFT, PolyPhen-2, Align-GVGD) all suggest that this variant is likely to be disruptive. In summary, the available evidence is currently insufficient to determine the role of this variant in disease. Therefore, it has been classified as a Variant of Uncertain Significance.

NM_007254.4(PNKP):c.932G>A (p.Arg311His)

Gene: PNKP (polynucleotide kinase 3'-phosphatase; minus strand). Cytogenetic location: 19q13.33.
Variant type: single nucleotide variant.
Coding change: c.932G>A on transcript NM_007254.4 (MANE Select); coding-DNA position 932, G replaced by A.
Protein change: p.Arg311His; replaces arginine 311 with histidine.
Molecular consequence: missense variant.
Genome position (GRCh38, 1-based): chr19:49,862,542, C>T on the plus strand (G>A on the coding strand, the complement: PNKP is on the minus strand). VCF-style: chr19-49862542-C-T. GRCh37 (hg19) VCF-style: chr19-50365799-C-T.
Other names: short protein forms R311H.
Identifiers: ClinVar variation 858536 (VCV000858536.7), dbSNP rs372435922, ClinGen allele CA9586700.